The following is an entry in ClinVar:

NM_002661.5(PLCG2):c.1935-5C>A

Gene: PLCG2 (phospholipase C gamma 2; plus strand). Cytogenetic location: 16q23.3.
Variant type: single nucleotide variant.
Coding change: c.1935-5C>A on transcript NM_002661.5 (MANE Select); 5 bases into the intron before coding-DNA position 1935, C replaced by A.
Molecular consequence: intron variant.
Genome position (GRCh38, 1-based): chr16:81,912,592, C>A. VCF-style: chr16-81912592-C-A. GRCh37 (hg19) VCF-style: chr16-81946197-C-A.
Other names: c.1935-5C>A (NM_001425751.1, NM_001425749.1, NM_001425750.1).
Identifiers: ClinVar variation 3655050 (VCV003655050.2).
Genomic context (GRCh38, chr16:81,912,592, plus strand): 5'-GCGGGTGGCCCACTGACAGCCTGGAGACCGCTCACCTGGTCGTTTTCCCTGGCCCTGTGC[C>A]GCAGGTGGTACTATGACAGCCTGAGCCGCGGAGAGGCAGAGGACATGCTGATGAGGATTC-3'

ClinVar aggregate classification (germline): Uncertain significance (1 of 4 stars; one submission).

Conditions:
Familial cold autoinflammatory syndrome 3 (FCAS3). Also called: FAMILIAL ATYPICAL COLD URTICARIA; ANTIBODY DEFICIENCY AND IMMUNE DYSREGULATION, PLCG2-ASSOCIATED. Identifiers: Orphanet 300359, MedGen C3280914, MONDO:0013766, OMIM 614468.

Submission:

Labcorp Genetics (formerly Invitae), Labcorp
Classification: Uncertain significance for Familial cold autoinflammatory syndrome 3. Last evaluated: 2024-06-07. Review status: criteria provided, single submitter. Criteria: Invitae Variant Classification Sherloc (09022015). Collection method: clinical testing. Allele origin: germline.
Comment: This sequence change falls in intron 18 of the PLCG2 gene. It does not directly change the encoded amino acid sequence of the PLCG2 protein. This variant is not present in population databases (gnomAD no frequency). This variant has not been reported in the literature in individuals affected with PLCG2-related conditions. Algorithms developed to predict the effect of sequence changes on RNA splicing suggest that this variant may disrupt the consensus splice site. In summary, the available evidence is currently insufficient to determine the role of this variant in disease. Therefore, it has been classified as a Variant of Uncertain Significance.